The following is an entry in ClinVar:

NM_022168.4(IFIH1):c.613A>G (p.Ser205Gly)

Gene: IFIH1 (interferon induced with helicase C domain 1; minus strand). Cytogenetic location: 2q24.2.
Variant type: single nucleotide variant.
Coding change: c.613A>G on transcript NM_022168.4 (MANE Select); coding-DNA position 613, A replaced by G.
Protein change: p.Ser205Gly; replaces serine 205 with glycine.
Molecular consequence: missense variant.
Genome position (GRCh38, 1-based): chr2:162,310,774, T>C on the plus strand (A>G on the coding strand, the complement: IFIH1 is on the minus strand). VCF-style: chr2-162310774-T-C. GRCh37 (hg19) VCF-style: chr2-163167284-T-C.
Other names: short protein forms S205G.
Identifiers: ClinVar variation 1408702 (VCV001408702.6), dbSNP rs1029888708, ClinGen allele CA59688455.

ClinVar aggregate classification (germline): Uncertain significance (1 of 4 stars; one submission).

Conditions:
Singleton-Merten syndrome 1 (SGMRT1). Also called: Widened medullary cavities of bone, aortic calcification, abnormal dentition, and muscular weakness; Syndrome of widened medullary cavities of the metacarpals and phalanges, aortic calcification and abnormal dentition. Identifiers: Orphanet 85191, MedGen C4225427, MONDO:0024535, OMIM 182250.
Aicardi-Goutieres syndrome 7 (AGS7). Identifiers: Orphanet 51, MedGen C3888244, MONDO:0014367, OMIM 615846.

Allele frequency attached by ClinVar (database versions not stated): gnomAD exomes 0.00001 and 0.00002; TOPMed 0.00002; gnomAD 0.00001.
gnomAD v4.1: 27 of 1,613,462 alleles (0.0017%); highest among the groups gnomAD compares: Admixed American, 0.0033%; no homozygotes.

Submission:

Labcorp Genetics (formerly Invitae), Labcorp
Classification: Uncertain significance for Aicardi-Goutieres syndrome 7; Singleton-Merten syndrome 1. Last evaluated: 2025-06-24. Review status: criteria provided, single submitter. Criteria: Invitae Variant Classification Sherloc (09022015). Collection method: clinical testing. Allele origin: germline.
Comment: This sequence change replaces serine, which is neutral and polar, with glycine, which is neutral and non-polar, at codon 205 of the IFIH1 protein (p.Ser205Gly). This variant is present in population databases (no rsID available, gnomAD 0.002%). This variant has not been reported in the literature in individuals affected with IFIH1-related conditions. ClinVar contains an entry for this variant (Variation ID: 1408702). An algorithm developed to predict the effect of missense changes on protein structure and function outputs the following: PolyPhen-2: "Benign". The glycine amino acid residue is found in multiple mammalian species, which suggests that this missense change does not adversely affect protein function. In summary, the available evidence is currently insufficient to determine the role of this variant in disease. Therefore, it has been classified as a Variant of Uncertain Significance.